The following is an entry in ClinVar:

NM_004706.4(ARHGEF1):c.2702T>G (p.Leu901Arg)

Gene: ARHGEF1 (Rho guanine nucleotide exchange factor 1; plus strand). Cytogenetic location: 19q13.2.
Variant type: single nucleotide variant.
Coding change: c.2702T>G on transcript NM_004706.4 (MANE Select); coding-DNA position 2702, T replaced by G.
Protein change: p.Leu901Arg; replaces leucine 901 with arginine.
Molecular consequence: missense variant.
Genome position (GRCh38, 1-based): chr19:41,906,749, T>G. VCF-style: chr19-41906749-T-G. GRCh37 (hg19) VCF-style: chr19-42410901-T-G.
Other names: c.2603T>G, p.Leu868Arg (NM_198977.2); c.2747T>G, p.Leu916Arg (NM_199002.2); short protein forms L868R, L916R, L901R.
Identifiers: ClinVar variation 1486930 (VCV001486930.8), dbSNP rs782407754, ClinGen allele CA406070386.
Genomic context (GRCh38, chr19:41,906,749, plus strand): 5'-CCCCACCCCACCAGGAGTTGGAGGAGGAATTTTGCCGCCTGAGACCCCTCCTGTCTCAGC[T>G]TGGGGGGAACTCTGTCCCCCAGCCTGGCTGCACTTGAGGTTCCCGCCCAGGAAGGTGAGT-3'
Protein context (NP_004697.2, residues 891-911): FCRLRPLLSQ[Leu901Arg]GGNSVPQPGC

ClinVar aggregate classification (germline): Uncertain significance (1 of 4 stars; one submission).

Submission:

Labcorp Genetics (formerly Invitae), Labcorp
Classification: Uncertain significance. Last evaluated: 2023-08-04. Review status: criteria provided, single submitter. Criteria: Invitae Variant Classification Sherloc (09022015). Collection method: clinical testing. Allele origin: germline.
Comment: This sequence change replaces leucine, which is neutral and non-polar, with arginine, which is basic and polar, at codon 916 of the ARHGEF1 protein (p.Leu916Arg). This variant is not present in population databases (gnomAD no frequency). This variant has not been reported in the literature in individuals affected with ARHGEF1-related conditions. ClinVar contains an entry for this variant (Variation ID: 1486930). An algorithm developed to predict the effect of missense changes on protein structure and function (PolyPhen-2) suggests that this variant is likely to be disruptive. In summary, the available evidence is currently insufficient to determine the role of this variant in disease. Therefore, it has been classified as a Variant of Uncertain Significance.